The following is an entry in ClinVar:

NM_024422.6(DSC2):c.2520G>C (p.Leu840=)

Gene: DSC2 (desmocollin 2; minus strand). Cytogenetic location: 18q12.1.
Variant type: single nucleotide variant.
Coding change: c.2520G>C on transcript NM_024422.6 (MANE Select); coding-DNA position 2520, G replaced by C.
Protein change: p.Leu840=; no amino-acid change (leucine 840 retained).
Molecular consequence: synonymous variant. On other transcripts: 3 prime UTR variant (2).
Genome position (GRCh38, 1-based): chr18:31,068,201, C>G on the plus strand (G>C on the coding strand, the complement: DSC2 is on the minus strand). VCF-style: chr18-31068201-C-G. GRCh37 (hg19) VCF-style: chr18-28648167-C-G.
Other names: c.2091G>C, p.Leu697= (NM_001406506.1); c.*22G>C (NM_001406507.1, NM_004949.5).
Identifiers: ClinVar variation 3386509 (VCV003386509.1).

ClinVar aggregate classification (germline): Likely benign (1 of 4 stars; one submission).

Conditions:
Familial isolated arrhythmogenic right ventricular dysplasia. Identifiers: Orphanet 217656, MedGen C4274968, MONDO:0016342.

gnomAD v4.1: 2 of 1,614,032 alleles (0.00012%); highest among the groups gnomAD compares: Non-Finnish European, 0.00017%; no homozygotes.

Submission:

All of Us Research Program, National Institutes of Health
Classification: Likely benign for Familial isolated arrhythmogenic right ventricular dysplasia. Last evaluated: 2024-07-20. Review status: criteria provided, single submitter. Criteria: ACMG Guidelines, 2015. Collection method: clinical testing. Allele origin: germline. Inheritance: Autosomal dominant inheritance. Observed: 1 variant allele, 1 heterozygote.
Comment: This study involves interpretation of variants in research participants for the purpose of population health screening. Participant phenotype was not available at the time of variant classification. Additional details can be found in publication PMID: 35346344, PMCID: PMC8962531